The following is an entry in ClinVar:

NM_001927.4(DES):c.43C>T (p.Arg15Cys)

Gene: DES (desmin; plus strand). Cytogenetic location: 2q35.
Variant type: single nucleotide variant.
Coding change: c.43C>T on transcript NM_001927.4 (MANE Select); coding-DNA position 43, C replaced by T.
Protein change: p.Arg15Cys; replaces arginine 15 with cysteine.
Molecular consequence: missense variant.
Genome position (GRCh38, 1-based): chr2:219,418,505, C>T. VCF-style: chr2-219418505-C-T. GRCh37 (hg19) VCF-style: chr2-220283227-C-T.
Other names: c.43C>T, p.Arg15Cys (NM_001382708.1, NM_001382709.1, NM_001382710.1 and 3 more transcripts); short protein forms R15C.
Identifiers: ClinVar variation 1461140 (VCV001461140.8), dbSNP rs756390565, ClinGen allele CA2125008.
Genomic context (GRCh38, chr2:219,418,505, plus strand): 5'-CTCGCCCGCGCCGTCACCATGAGCCAGGCCTACTCGTCCAGCCAGCGCGTGTCCTCCTAC[C>T]GCCGCACCTTCGGCGGGGCCCCGGGCTTCCCACTCGGCTCCCCGCTGAGTTCGCCCGTGT-3'
Protein context (NP_001918.3, residues 5-25): YSSSQRVSSY[Arg15Cys]RTFGGAPGFP

ClinVar aggregate classification (germline): Uncertain significance (1 of 4 stars; one submission).

Conditions:
Desmin-related myofibrillar myopathy (MFM1). Also called: Desminopathy; MYOFIBRILLAR MYOPATHY WITH ARRHYTHMOGENIC RIGHT VENTRICULAR CARDIOMYOPATHY; DESMIN-RELATED MYOPATHY WITH ARRHYTHMOGENIC RIGHT VENTRICULAR CARDIOMYOPATHY; Desmin related myopathy (former name); Desmin storage myopathy (former name); Myofibrillar myopathy 1. Identifiers: Orphanet 363543, Orphanet 98909, MedGen C1832370, MONDO:0011076, OMIM 601419.

gnomAD v4.1: 3 of 1,603,160 alleles (0.00019%); highest among the groups gnomAD compares: South Asian, 0.0033%; no homozygotes.

Submission:

Labcorp Genetics (formerly Invitae), Labcorp
Classification: Uncertain significance for Desmin-related myofibrillar myopathy. Last evaluated: 2024-07-06. Review status: criteria provided, single submitter. Criteria: Invitae Variant Classification Sherloc (09022015). Collection method: clinical testing. Allele origin: germline.
Comment: This sequence change replaces arginine, which is basic and polar, with cysteine, which is neutral and slightly polar, at codon 15 of the DES protein (p.Arg15Cys). The frequency data for this variant in the population databases is considered unreliable, as metrics indicate poor data quality at this position in the gnomAD database. This variant has not been reported in the literature in individuals affected with DES-related conditions. ClinVar contains an entry for this variant (Variation ID: 1461140). Advanced modeling of protein sequence and biophysical properties (such as structural, functional, and spatial information, amino acid conservation, physicochemical variation, residue mobility, and thermodynamic stability) has been performed at Invitae for this missense variant, however the output from this modeling did not meet the statistical confidence thresholds required to predict the impact of this variant on DES protein function. In summary, the available evidence is currently insufficient to determine the role of this variant in disease. Therefore, it has been classified as a Variant of Uncertain Significance.